The following is an entry in ClinVar:

NM_000222.3(KIT):c.757-1G>A

Gene: KIT (KIT proto-oncogene, receptor tyrosine kinase; plus strand). Cytogenetic location: 4q12.
Variant type: single nucleotide variant.
Coding change: c.757-1G>A on transcript NM_000222.3 (MANE Select); the canonical splice acceptor site of the intron before coding-DNA position 757, G replaced by A.
Molecular consequence: splice acceptor variant. On other transcripts: synonymous variant (4).
Genome position (GRCh38, 1-based): chr4:54,703,723, G>A. VCF-style: chr4-54703723-G-A. GRCh37 (hg19) VCF-style: chr4-55569889-G-A.
Other names: c.757-1G>A (NM_000222.2, NM_001385285.1, NM_001093772.2 and 1 more transcripts); c.759G>A, p.Gln253= (NM_001385284.1, NM_001385288.1, NM_001385290.1 and 1 more transcripts).
Identifiers: ClinVar variation 1476507 (VCV001476507.7), dbSNP rs2109692864, ClinGen allele CA356899217.
Genomic context (GRCh38, chr4:54,703,723, plus strand): 5'-ATTCTGAATATAAATTATATGGTAATCTTCATTTTTTTTTCTCCTTTTCTGAAACCAGCA[G>A]ACTAAACTACAGGAGAAATATAATAGCTGGCATCACGGTGACTTCAATTATGAACGTCAG-3'

ClinVar aggregate classification (germline): Conflicting classifications of pathogenicity. Review status: criteria provided, conflicting classifications (1 of 4 stars). 2 submissions from 2 submitters: Likely pathogenic (1); Likely benign (1). Last evaluated 2025-05-29.

Conditions:
Hereditary cancer-predisposing syndrome. Also called: Hereditary neoplastic syndrome; Tumor predisposition; Hereditary Cancer Syndrome; Neoplastic Syndromes, Hereditary. Identifiers: Orphanet 140162, MedGen C0027672, MeSH D009386, MONDO:0015356.
Gastrointestinal stromal tumor. Also called: Gastrointestinal stroma tumor; Gastrointestinal stromal tumor, somatic. Identifiers: Orphanet 44890, MedGen C0238198, MeSH D046152, MONDO:0011719, OMIM 606764, HP:0100723.

Submissions (2):

Ambry Genetics
Classification: Likely benign for Hereditary cancer-predisposing syndrome. Last evaluated: 2025-05-29. Review status: criteria provided, single submitter. Criteria: Ambry Variant Classification Scheme 2023. Collection method: clinical testing. Allele origin: germline.

Labcorp Genetics (formerly Invitae), Labcorp
Classification: Likely pathogenic for Gastrointestinal stromal tumor. Last evaluated: 2024-12-12. Review status: criteria provided, single submitter. Criteria: Invitae Variant Classification Sherloc (09022015). Collection method: clinical testing. Allele origin: germline.
Comment: This sequence change affects an acceptor splice site in intron 4 of the KIT gene. It is expected to disrupt RNA splicing. Variants that disrupt the donor or acceptor splice site typically lead to a loss of protein function (PMID: 16199547), and loss-of-function variants in KIT are known to be pathogenic (PMID: 15194144). This variant is not present in population databases (gnomAD no frequency). This variant has not been reported in the literature in individuals affected with KIT-related conditions. ClinVar contains an entry for this variant (Variation ID: 1476507). Algorithms developed to predict the effect of sequence changes on RNA splicing suggest that this variant may disrupt the consensus splice site. In summary, the currently available evidence indicates that the variant is pathogenic, but additional data are needed to prove that conclusively. Therefore, this variant has been classified as Likely Pathogenic.

Literature cited by the submitters: PubMed 16199547 (cited by Labcorp Genetics (formerly Invitae), Labcorp); PubMed 15194144 (cited by Labcorp Genetics (formerly Invitae), Labcorp).